The following is an entry in ClinVar:

NM_001384140.1(PCDH15):c.84dup (p.Asp29Ter)

Gene: PCDH15 (protocadherin related 15; minus strand). Cytogenetic location: 10q21.1.
Variant type: Duplication.
Coding change: c.84dup on transcript NM_001384140.1 (MANE Select); coding-DNA position 84, one base duplicated (T; older notation c.84dupT).
Protein change: p.Asp29Ter; replaces aspartic acid 29 with a stop codon.
Molecular consequence: nonsense. On other transcripts: frameshift variant (1).
Genome position (GRCh38, 1-based): chr10:54,664,179, A duplicated on the plus strand (T on the coding strand, the reverse complement: PCDH15 is on the minus strand). VCF-style (leftmost placement, unchanged base first): chr10-54664178-C-CA. GRCh37 (hg19) VCF-style: chr10-56423938-C-CA.
Other names: c.84dup, p.Asp29Ter (NM_001142763.2, NM_001142764.2, NM_001142765.2 and 13 more transcripts); c.84dup, p.Asp29Terfs (NM_001142769.4); short protein forms D29*.
Identifiers: ClinVar variation 1076111 (VCV001076111.7), dbSNP rs2135421507, ClinGen allele CA2499220286.

ClinVar aggregate classification (germline): Pathogenic (1 of 4 stars; one submission).

Submission:

Labcorp Genetics (formerly Invitae), Labcorp
Classification: Pathogenic. Last evaluated: 2020-06-24. Review status: criteria provided, single submitter. Criteria: Invitae Variant Classification Sherloc (09022015). Collection method: clinical testing. Allele origin: germline.
Comment: For these reasons, this variant has been classified as Pathogenic. Loss-of-function variants in PCDH15 are known to be pathogenic (PMID: 11398101, 11487575, 14570705). This variant has not been reported in the literature in individuals with PCDH15-related conditions. This variant is not present in population databases (ExAC no frequency). This sequence change creates a premature translational stop signal (p.Asp29*) in the PCDH15 gene. It is expected to result in an absent or disrupted protein product.

Literature cited by the submitters: PubMed 11398101; PubMed 11487575; PubMed 14570705.